The following is an entry in ClinVar:

NM_004990.4(MARS1):c.2336G>C (p.Ser779Thr)

Gene: MARS1 (methionyl-tRNA synthetase 1; plus strand). Cytogenetic location: 12q13.3.
Variant type: single nucleotide variant.
Coding change: c.2336G>C on transcript NM_004990.4 (MANE Select); coding-DNA position 2336, G replaced by C.
Protein change: p.Ser779Thr; replaces serine 779 with threonine.
Molecular consequence: missense variant.
Genome position (GRCh38, 1-based): chr12:57,515,281, G>C. VCF-style: chr12-57515281-G-C. GRCh37 (hg19) VCF-style: chr12-57909064-G-C.
Other names: short protein forms S779T.
Identifiers: ClinVar variation 2925251 (VCV002925251.4), dbSNP rs756986496, ClinGen allele CA385466629.

ClinVar aggregate classification (germline): Uncertain significance. Review status: criteria provided, multiple submitters, no conflicts (2 of 4 stars). 2 submissions from 2 submitters: Uncertain significance (2). Last evaluated 2025-03-09.

Conditions:
Charcot-Marie-Tooth disease axonal type 2U. Also called: CHARCOT-MARIE-TOOTH NEUROPATHY, TYPE 2U; CHARCOT-MARIE-TOOTH DISEASE, AXONAL, AUTOSOMAL DOMINANT, TYPE 2U. Identifiers: Orphanet 397735, MedGen C4084821, MONDO:0014566, OMIM 616280.
Severe early-onset pulmonary alveolar proteinosis due to MARS deficiency. Also called: PULMONARY ALVEOLAR PROTEINOSIS, REUNION ISLAND; Interstitial lung and liver disease. Identifiers: Orphanet 440427, MedGen C4225400, MONDO:0014206, OMIM 615486.

Allele frequency attached by ClinVar (database versions not stated): gnomAD 0.00001.
gnomAD v4.1: 5 of 1,613,768 alleles (0.00031%); highest among the groups gnomAD compares: Non-Finnish European, 0.00042%; no homozygotes.

Submissions (2):

Labcorp Genetics (formerly Invitae), Labcorp
Classification: Uncertain significance for Charcot-Marie-Tooth disease axonal type 2U; Severe early-onset pulmonary alveolar proteinosis due to MARS deficiency. Last evaluated: 2025-03-09. Review status: criteria provided, single submitter. Criteria: Invitae Variant Classification Sherloc (09022015). Collection method: clinical testing. Allele origin: germline.
Comment: This sequence change replaces serine, which is neutral and polar, with threonine, which is neutral and polar, at codon 779 of the MARS protein (p.Ser779Thr). This variant is present in population databases (no rsID available, gnomAD 0.002%). This variant has not been reported in the literature in individuals affected with MARS-related conditions. ClinVar contains an entry for this variant (Variation ID: 2925251). An algorithm developed to predict the effect of missense changes on protein structure and function (PolyPhen-2) suggests that this variant is likely to be tolerated. In summary, the available evidence is currently insufficient to determine the role of this variant in disease. Therefore, it has been classified as a Variant of Uncertain Significance.

Blueprint Genetics
Classification: Uncertain significance. Last evaluated: 2024-09-03. Review status: criteria provided, single submitter. Criteria: ACMG Guidelines, 2015. Collection method: clinical testing. Allele origin: germline.